The following is an entry in ClinVar:

ClinVar aggregate classification (germline): Uncertain significance (1 of 4 stars; one submission).

Conditions:
Alstrom syndrome (ALMS). Identifiers: Orphanet 64, MedGen C0268425, MONDO:0008763, OMIM 203800.

Allele frequency attached by ClinVar (database versions not stated): TOPMed below 0.00001; gnomAD exomes 0.00001.
gnomAD v4.1: 13 of 1,613,804 alleles (0.00081%); highest among the groups gnomAD compares: Non-Finnish European, 0.0011%; no homozygotes.

Submission:

Labcorp Genetics (formerly Invitae), Labcorp
Classification: Uncertain significance for Alstrom syndrome. Last evaluated: 2022-04-16. Review status: criteria provided, single submitter. Criteria: Invitae Variant Classification Sherloc (09022015). Collection method: clinical testing. Allele origin: germline.
Comment: This sequence change replaces isoleucine, which is neutral and non-polar, with methionine, which is neutral and non-polar, at codon 1519 of the ALMS1 protein (p.Ile1519Met). This variant is not present in population databases (gnomAD no frequency). This variant has not been reported in the literature in individuals affected with ALMS1-related conditions. Experimental studies and prediction algorithms are not available or were not evaluated, and the functional significance of this variant is currently unknown. In summary, the available evidence is currently insufficient to determine the role of this variant in disease. Therefore, it has been classified as a Variant of Uncertain Significance.

NM_001378454.1(ALMS1):c.4554A>G (p.Ile1518Met)

Gene: ALMS1 (ALMS1 centrosome and basal body associated protein; plus strand). Cytogenetic location: 2p13.1.
Variant type: single nucleotide variant.
Coding change: c.4554A>G on transcript NM_001378454.1 (MANE Select); coding-DNA position 4554, A replaced by G.
Protein change: p.Ile1518Met; replaces isoleucine 1518 with methionine.
Molecular consequence: missense variant.
Genome position (GRCh38, 1-based): chr2:73,451,081, A>G. VCF-style: chr2-73451081-A-G. GRCh37 (hg19) VCF-style: chr2-73678208-A-G.
Other names: c.4557A>G, p.Ile1519Met (NM_015120.4); short protein forms I1518M, I1519M.
Identifiers: ClinVar variation 2126853 (VCV002126853.1), dbSNP rs1294893433, ClinGen allele CA347278777.